The following is an entry in ClinVar:

NM_175914.5(HNF4A):c.869G>C (p.Arg290Pro)

Gene: HNF4A (hepatocyte nuclear factor 4 alpha; plus strand). Cytogenetic location: 20q13.12.
Variant type: single nucleotide variant.
Coding change: c.869G>C on transcript NM_175914.5 (MANE Select); coding-DNA position 869, G replaced by C.
Protein change: p.Arg290Pro; replaces arginine 290 with proline.
Molecular consequence: missense variant.
Genome position (GRCh38, 1-based): chr20:44,424,060, G>C. VCF-style: chr20-44424060-G-C. GRCh37 (hg19) VCF-style: chr20-43052700-G-C.
Other names: NM_175914.5:c.869G>C; c.935G>C, p.Arg312Pro (NM_000457.6, NM_178849.3, NM_178850.3); c.869G>C, p.Arg290Pro (NM_001030003.3, NM_001030004.3); c.914G>C, p.Arg305Pro (NM_001258355.2); c.860G>C, p.Arg287Pro (NM_001287182.2, NM_001287183.2, NM_001287184.2); short protein forms R287P, R290P, R305P, R312P.
Identifiers: ClinVar variation 3234008 (VCV003234008.1), dbSNP rs1191912908, ClinGen allele CA409108073.
Genomic context (GRCh38, chr20:44,424,060, plus strand): 5'-CACCCTCTTCCATTGTAGATGCCAAGGGGCTGAGCGATCCAGGGAAGATCAAGCGGCTGC[G>C]TTCCCAGGTGCAGGTGAGCTTGGAGGACTACATCAACGACCGCCAGTATGACTCGCGTGG-3'
Protein context (NP_787110.2, residues 280-300): LSDPGKIKRL[Arg290Pro]SQVQVSLEDY

ClinVar aggregate classification (germline): Likely pathogenic (3 of 4 stars; one submission).

Conditions:
Monogenic diabetes. Identifiers: Orphanet 183625, MedGen C3888631, MONDO:0015967.

Submission:

ClinGen Monogenic Diabetes Variant Curation Expert Panel
Classification: Likely pathogenic for Monogenic diabetes. Last evaluated: 2024-04-06. Review status: reviewed by expert panel. Criteria: ClinGen Diabetes ACMG Specifications HNF4A V2.0.0. Collection method: curation. Allele origin: germline. Inheritance: Autosomal dominant inheritance.
Comment: The c.869G>C variant in the hepatocyte nuclear factor 4-alpha gene, HNF4A, causes an amino acid change of arginine to proline at codon 290 (p.(Arg290Pro)) of NM_175914.5. This variant is predicted to be deleterious by computational evidence, with a REVEL score of 0.972, which is greater than the MDEP VCEP threshold of 0.70 (PP3). This variant is absent from gnomAD v2.1.1 (PM2_Supporting). This variant was identified in an individual with diabetes; however, the calculated MODY probability is <50% (internal lab contributors). This variant segregated with diabetes with two informative meioses in a single family; however, this does not meet the thresholds for PP1 set by the ClinGen MDEP (PMID: 27236918, internal lab contributors). Two other missense variants, c.868C>T p.Arg290Cys and c.869G>A p.Arg290His, have been interpreted as pathogenic by the ClinGen MDEP (PM5_Strong). In summary, c.869G>C meets the criteria to be classified as Likely pathogenic for monogenic diabetes. ACMG/AMP criteria applied, as specified by the ClinGen MDEP (specification version 2.0.0, approved 10/11/2023): PM5_Strong, PP3, PM2_Supporting.